The following is an entry in ClinVar:

ClinVar aggregate classification (germline): Likely benign. Review status: criteria provided, multiple submitters, no conflicts (2 of 4 stars). 3 submissions from 3 submitters: Likely benign (3). Last evaluated 2024-05-17.

Conditions:
Hereditary cancer-predisposing syndrome. Also called: Tumor predisposition; Hereditary Cancer Syndrome; Hereditary neoplastic syndrome; Neoplastic Syndromes, Hereditary. Identifiers: Orphanet 140162, MedGen C0027672, MeSH D009386, MONDO:0015356.
Ataxia-telangiectasia syndrome (AT). Also called: Cerebello-oculocutaneous telangiectasia; Immunodeficiency with ataxia telangiectasia; ATAXIA-TELANGIECTASIA, FRESNO VARIANT; Ataxia-telangiectasia, complementation group E; Ataxia-telangiectasia, complementation group D; AT, COMPLEMENTATION GROUP C. Identifiers: Orphanet 100, MedGen C0004135, MONDO:0008840, OMIM 208900.
Familial cancer of breast. Also called: Hereditary breast cancer; BREAST CANCER, FAMILIAL; hereditary breast carcinoma. Identifiers: Orphanet 227535, MedGen C0346153, MONDO:0016419, OMIM 114480. Disease mechanism: loss of function.

Allele frequency attached by ClinVar (database versions not stated): ExAC 0.00002.

Submissions (3):

Myriad Genetics, Inc.
Classification: Likely benign for Familial cancer of breast. Last evaluated: 2024-05-17. Review status: criteria provided, single submitter. Criteria: Myriad Autosomal Dominant, Autosomal Recessive and X-Linked Classification Criteria (2023). Collection method: clinical testing. Allele origin: unknown.
Comment: This variant is considered likely benign. This variant is intronic and is not expected to impact mRNA splicing.

Labcorp Genetics (formerly Invitae), Labcorp
Classification: Likely benign for Ataxia-telangiectasia syndrome. Last evaluated: 2023-07-31. Review status: criteria provided, single submitter. Criteria: Invitae Variant Classification Sherloc (09022015). Collection method: clinical testing. Allele origin: germline.

Color Diagnostics, LLC DBA Color Health
Classification: Likely benign for Hereditary cancer-predisposing syndrome. Last evaluated: 2017-10-26. Review status: criteria provided, single submitter. Criteria: ACMG Guidelines, 2015. Collection method: clinical testing. Allele origin: germline.

NM_000051.4(ATM):c.4437-13C>T

Gene: ATM (ATM serine/threonine kinase; plus strand). Cytogenetic location: 11q22.3.
Variant type: single nucleotide variant.
Coding change: c.4437-13C>T on transcript NM_000051.4 (MANE Select); 13 bases into the intron before coding-DNA position 4437, C replaced by T.
Molecular consequence: intron variant.
Genome position (GRCh38, 1-based): chr11:108,292,606, C>T. VCF-style: chr11-108292606-C-T. GRCh37 (hg19) VCF-style: chr11-108163333-C-T.
Other names: c.4437-13C>T (NM_001351834.2).
Identifiers: ClinVar variation 1533779 (VCV001533779.9), dbSNP rs769462032, ClinGen allele CA6265471.